The following is an entry in ClinVar:

NM_001291746.2(REL):c.1067A>G (p.Tyr356Cys)

Gene: REL (REL proto-oncogene, NF-kB subunit; plus strand). Cytogenetic location: 2p16.1.
Variant type: single nucleotide variant.
Coding change: c.1067A>G on transcript NM_001291746.2 (MANE Select); coding-DNA position 1067, A replaced by G.
Protein change: p.Tyr356Cys; replaces tyrosine 356 with cysteine.
Molecular consequence: missense variant.
Genome position (GRCh38, 1-based): chr2:60,921,838, A>G. VCF-style: chr2-60921838-A-G. GRCh37 (hg19) VCF-style: chr2-61148973-A-G.
Other names: c.1163A>G, p.Tyr388Cys (NM_002908.4); c.1163A>G (NM_002908.2); short protein forms Y356C, Y388C.
Identifiers: ClinVar variation 2076752 (VCV002076752.5), dbSNP rs200515155, ClinGen allele CA1672427.

ClinVar aggregate classification (germline): Uncertain significance. Review status: criteria provided, multiple submitters, no conflicts (2 of 4 stars). 2 submissions from 2 submitters: Uncertain significance (2). Last evaluated 2026-02-01.

Allele frequency attached by ClinVar (database versions not stated): ExAC 0.00013; 1000 Genomes Project 30x 0.00031; gnomAD 0.00036; TOPMed 0.00037; ESP Exome Variant Server 0.00038; 1000 Genomes Project 0.00040.
gnomAD v4.1: 113 of 1,614,034 alleles (0.007%); highest among the groups gnomAD compares: African/African-American, 0.12%; no homozygotes.

Submissions (2):

Labcorp Genetics (formerly Invitae), Labcorp
Classification: Uncertain significance. Last evaluated: 2026-02-01. Review status: criteria provided, single submitter. Criteria: Invitae Variant Classification Sherloc (09022015). Collection method: clinical testing. Allele origin: germline.
Comment: This sequence change replaces tyrosine, which is neutral and polar, with cysteine, which is neutral and slightly polar, at codon 388 of the REL protein (p.Tyr388Cys). This variant is present in population databases (rs200515155, gnomAD 0.1%). This variant has not been reported in the literature in individuals affected with REL-related conditions. ClinVar contains an entry for this variant (Variation ID: 2076752). An algorithm developed to predict the effect of missense changes on protein structure and function (PolyPhen-2) suggests that this variant is likely to be tolerated. In summary, the available evidence is currently insufficient to determine the role of this variant in disease. Therefore, it has been classified as a Variant of Uncertain Significance.

Ambry Genetics
Classification: Uncertain significance. Last evaluated: 2025-08-14. Review status: criteria provided, single submitter. Criteria: Ambry Variant Classification Scheme 2023. Collection method: clinical testing. Allele origin: germline.